The following is an entry in ClinVar:

ClinVar aggregate classification (germline): Pathogenic (1 of 4 stars; one submission).

Conditions:
Periodontitis, aggressive. Identifiers: MedGen C0031106, MONDO:0980757.
Papillon-Lefèvre syndrome (PALS). Also called: KERATOSIS PALMOPLANTARIS WITH PERIODONTOPATHIA; Papillon-Lefevre Disease. Identifiers: Orphanet 678, MedGen C0030360, MONDO:0009490, OMIM 245000.
Haim-Munk syndrome (HMS). Also called: COCHIN JEWISH DISORDER; KERATOSIS PALMOPLANTARIS WITH PERIODONTOPATHIA AND ONYCHOGRYPOSIS. Identifiers: Orphanet 2342, MedGen C1855627, MONDO:0009491, OMIM 245010.

Submission:

Labcorp Genetics (formerly Invitae), Labcorp
Classification: Pathogenic for Haim-Munk syndrome; Periodontitis, aggressive; Papillon-Lefèvre syndrome. Last evaluated: 2025-12-26. Review status: criteria provided, single submitter. Criteria: Invitae Variant Classification Sherloc (09022015). Collection method: clinical testing. Allele origin: germline.
Comment: This sequence change creates a premature translational stop signal (p.Phe374Leufs*20) in the CTSC gene. While this is not anticipated to result in nonsense mediated decay, it is expected to disrupt the last 90 amino acid(s) of the CTSC protein. This variant is not present in population databases (gnomAD no frequency). This variant has not been reported in the literature in individuals affected with CTSC-related conditions. ClinVar contains an entry for this variant (Variation ID: 2935808). This variant disrupts a region of the CTSC protein in which other variant(s) (p.Leu381Serfs*13) have been determined to be pathogenic (PMID: 11886537, 12112662, 29410039). This suggests that this is a clinically significant region of the protein, and that variants that disrupt it are likely to be disease-causing. For these reasons, this variant has been classified as Pathogenic.

Literature cited by the submitters: PubMed 11886537; PubMed 12112662; PubMed 29410039.

NM_001814.6(CTSC):c.1122del (p.Phe374fs)

Gene: CTSC (cathepsin C; minus strand). Cytogenetic location: 11q14.2.
Variant type: Deletion.
Coding change: c.1122del on transcript NM_001814.6 (MANE Select); coding-DNA position 1122, one base deleted (T; older notation c.1122delT).
Protein change: p.Phe374fs; shifts the reading frame from phenylalanine 374.
Molecular consequence: frameshift variant.
Genome position (GRCh38, 1-based): chr11:88,294,276, A deleted on the plus strand (T on the coding strand, the reverse complement: CTSC is on the minus strand); the first of 4 consecutive A bases (chr11:88,294,276-88,294,279); deleting any one gives the same sequence. VCF-style (leftmost placement, unchanged base first): chr11-88294275-CA-C. GRCh37 (hg19) VCF-style: chr11-88027443-CA-C.
Other names: short protein forms F374fs.
Identifiers: ClinVar variation 2935808 (VCV002935808.3), dbSNP rs1944274161, ClinGen allele CA940568245.
Genomic context (GRCh38, chr11:88,294,275, plus strand): 5'-CTCTTAGACCAGTGTGGTGGTAGATCCCCTTTTTGTAGTGGAGGAAGTCATCATATACTT[CA>C]AAAGCAACTGCCATGGGCCCATGATGGACCAACTCAAGCTTCATCAGGGCTTCATTGCAG-3'